The following is an entry in ClinVar:

NC_000006.11:g.(?_129581836)_(129641820_?)dup

Gene: LAMA2 (laminin subunit alpha 2; plus strand). Cytogenetic location: 6q22.33.
Variant type: Duplication.
Identifiers: ClinVar variation 3246068 (VCV003246068.1).

ClinVar aggregate classification (germline): Likely pathogenic (1 of 4 stars; one submission).

Conditions:
LAMA2-related muscular dystrophy (LAMA2-RD). Also called: Laminin alpha 2-related dystrophy. Identifiers: MedGen C5679788, MONDO:0100228.

Submission:

Labcorp Genetics (formerly Invitae), Labcorp
Classification: Likely pathogenic for LAMA2-related muscular dystrophy. Last evaluated: 2023-04-18. Review status: criteria provided, single submitter. Criteria: Invitae Variant Classification Sherloc (09022015). Collection method: clinical testing. Allele origin: unknown.
Comment: In summary, the currently available evidence indicates that the variant is pathogenic, but additional data are needed to prove that conclusively. Therefore, this variant has been classified as Likely Pathogenic. This variant has not been reported in the literature in individuals affected with LAMA2-related conditions. This variant results in a copy number gain of the genomic region encompassing exon(s) 15-28 of the LAMA2 gene. While the exact position of this variant cannot be determined from the data, sub-genic copy number gains are generally in tandem (PMID: 25640679). This variant is predicted to be out-of-frame, and may result in an absent or disrupted protein product. Loss-of-function variants in LAMA2 are known to be pathogenic (PMID: 18700894, 32904964).

Literature cited by the submitters: PubMed 25640679; PubMed 18700894; PubMed 32904964.